The following is an entry in ClinVar:

ClinVar aggregate classification (germline): Benign. Review status: criteria provided, multiple submitters, no conflicts (2 of 4 stars). 3 submissions from 3 submitters: Benign (2). 1 of the submissions does not count toward it. Last evaluated 2021-05-04.

Conditions:
DNAH17-related disorder. Also called: DNAH17-related condition.

Allele frequency attached by ClinVar (database versions not stated): 1000 Genomes Project 30x 0.09884; 1000 Genomes Project 0.09904; gnomAD 0.10193; ESP Exome Variant Server 0.10249; ExAC 0.12519; gnomAD exomes 0.12742 and 0.12839.
gnomAD v4.1: 203,350 of 1,613,486 alleles (13%); highest among the groups gnomAD compares: South Asian, 19%; 13,605 homozygotes.

Submissions (3):

GeneDx
Classification: Benign. Last evaluated: 2021-05-04. Review status: criteria provided, single submitter. Criteria: GeneDx Variant Classification Process June 2021. Collection method: clinical testing. Allele origin: germline. Affected: yes.

Breakthrough Genomics
Classification: Benign. Review status: criteria provided, single submitter. Criteria: ACMG Guidelines, 2015. Collection method: not provided. Allele origin: germline. Inheritance: Autosomal recessive inheritance. Affected: yes.

PreventionGenetics, part of Exact Sciences
Classification: Benign for DNAH17-related condition. Last evaluated: 2019-10-17. Review status: no assertion criteria provided. Collection method: clinical testing. Allele origin: germline. Not counted in ClinVar's aggregate classification.
Comment: This variant is classified as benign based on ACMG/AMP sequence variant interpretation guidelines (Richards et al. 2015 PMID: 25741868, with internal and published modifications).

NM_173628.4(DNAH17):c.2374A>G (p.Ile792Val)

Gene: DNAH17 (dynein axonemal heavy chain 17; minus strand). Cytogenetic location: 17q25.3.
Variant type: single nucleotide variant.
Coding change: c.2374A>G on transcript NM_173628.4 (MANE Select); coding-DNA position 2374, A replaced by G.
Protein change: p.Ile792Val; replaces isoleucine 792 with valine.
Molecular consequence: missense variant.
Genome position (GRCh38, 1-based): chr17:78,551,552, T>C on the plus strand (A>G on the coding strand, the complement: DNAH17 is on the minus strand). VCF-style: chr17-78551552-T-C. GRCh37 (hg19) VCF-style: chr17-76547634-T-C.
Other names: short protein forms I792V.
Identifiers: ClinVar variation 1272914 (VCV001272914.4), dbSNP rs16971526, ClinGen allele CA8804751.